The following is an entry in ClinVar:

NM_001854.4(COL11A1):c.4313G>C (p.Gly1438Ala)

Gene: COL11A1 (collagen type XI alpha 1 chain; minus strand). Cytogenetic location: 1p21.1.
Variant type: single nucleotide variant.
Coding change: c.4313G>C on transcript NM_001854.4 (MANE Select); coding-DNA position 4313, G replaced by C.
Protein change: p.Gly1438Ala; replaces glycine 1438 with alanine.
Molecular consequence: missense variant. On other transcripts: non-coding transcript variant (1).
Genome position (GRCh38, 1-based): chr1:102,890,494, C>G on the plus strand (G>C on the coding strand, the complement: COL11A1 is on the minus strand). VCF-style: chr1-102890494-C-G. GRCh37 (hg19) VCF-style: chr1-103356050-C-G.
Other names: c.3965G>C, p.Gly1322Ala (NM_001168249.1, NM_080630.4); c.4196G>C, p.Gly1399Ala (NM_001190709.2); c.4349G>C, p.Gly1450Ala (NM_080629.3); short protein forms G1322A, G1399A, G1438A, G1450A.
Identifiers: ClinVar variation 1809744 (VCV001809744.1), dbSNP rs2524263795, ClinGen allele CA341212900.

ClinVar aggregate classification (germline): Uncertain significance (1 of 4 stars; one submission).

gnomAD v4.1: 1 of 1,603,364 alleles (0.000062%); highest among the groups gnomAD compares: Non-Finnish European, 0.000085%; no homozygotes.

Submission:

Athena Diagnostics
Classification: Uncertain significance. Last evaluated: 2020-12-22. Review status: criteria provided, single submitter. Criteria: Athena Diagnostics Criteria. Collection method: clinical testing. Allele origin: unknown.
Comment: This observation is not an independent occurrence and has been identified in the same individual by RCIGM, the other laboratory participating in the GEMINI study.